The following is an entry in ClinVar:

NM_020975.6(RET):c.75G>A (p.Val25=)

Gene: RET (ret proto-oncogene; plus strand). Cytogenetic location: 10q11.21.
Variant type: single nucleotide variant.
Coding change: c.75G>A on transcript NM_020975.6 (MANE Select); coding-DNA position 75, G replaced by A.
Protein change: p.Val25=; no amino-acid change (valine 25 retained).
Molecular consequence: synonymous variant. On other transcripts: intron variant (4).
Genome position (GRCh38, 1-based): chr10:43,100,460, G>A. VCF-style: chr10-43100460-G-A. GRCh37 (hg19) VCF-style: chr10-43595908-G-A.
Other names: c.75G>A, p.Val25= (NM_001406743.1, NM_001406744.1, NM_001406759.1 and 32 more transcripts); c.74-8571G>A (NM_001406784.1); c.74-11639G>A (NM_001406794.1, NM_001406792.1, NM_001406793.1).
Identifiers: ClinVar variation 4863274 (VCV004863274.1).

ClinVar aggregate classification (germline): Uncertain significance (1 of 4 stars; one submission).

Conditions:
Hereditary cancer-predisposing syndrome. Also called: Neoplastic Syndromes, Hereditary; Tumor predisposition; Hereditary Cancer Syndrome; Hereditary neoplastic syndrome. Identifiers: Orphanet 140162, MedGen C0027672, MeSH D009386, MONDO:0015356.

gnomAD v4.1: 1 of 1,612,776 alleles (0.000062%); highest among the groups gnomAD compares: South Asian, 0.0011%; no homozygotes.

Submission:

Ambry Genetics
Classification: Uncertain significance for Hereditary cancer-predisposing syndrome. Last evaluated: 2026-05-11. Review status: criteria provided, single submitter. Criteria: Ambry Variant Classification Scheme 2023. Collection method: clinical testing. Allele origin: germline.
Comment: The c.75G>A variant (also known as p.V25V), located in coding exon 2 of the RET gene, results from a G to A substitution at nucleotide position 75. This nucleotide substitution does not change the amino acid at codon 25. This nucleotide position is poorly conserved in available vertebrate species. In silico splice site analysis predicts that this alteration will result in the creation or strengthening of a novel splice acceptor site. Based on the available evidence, the clinical significance of this variant remains unclear.